The following is an entry in ClinVar:

NM_002878.4(RAD51D):c.439C>T (p.Leu147Phe)

Genes: RAD51D (RAD51 paralog D; minus strand), RAD51L3-RFFL (RAD51L3-RFFL readthrough; minus strand). Cytogenetic location: 17q12.
Variant type: single nucleotide variant.
Coding change: c.439C>T on transcript NM_002878.4 (MANE Select); coding-DNA position 439, C replaced by T.
Protein change: p.Leu147Phe; replaces leucine 147 with phenylalanine.
Molecular consequence: missense variant. On other transcripts: non-coding transcript variant (1), intron variant (1).
Genome position (GRCh38, 1-based): chr17:35,107,029, G>A on the plus strand (C>T on the coding strand, the complement: RAD51D is on the minus strand). VCF-style: chr17-35107029-G-A. GRCh37 (hg19) VCF-style: chr17-33434048-G-A.
Other names: c.499C>T, p.Leu167Phe (NM_001142571.2); c.145-548C>T (NM_133629.3); short protein forms L147F, L167F.
Identifiers: ClinVar variation 574981 (VCV000574981.6), dbSNP rs1567728278, ClinGen allele CA399089229.
Genomic context (GRCh38, chr17:35,107,029, plus strand): 5'-CCCAGCATCCTGCCCTTACCTGTTCCTCCTCATCCTGGGTTTTAGCCTGAAGCAGCTGGA[G>A]GAGGCGGGAAGCTGTCAGCCCTCCATTGGAATCTACATATAGGACGTTTTGCTGCAGGCC-3'
Protein context (NP_002869.3, residues 137-157): SNGGLTASRL[Leu147Phe]QLLQAKTQDE

ClinVar aggregate classification (germline): Uncertain significance. Review status: criteria provided, multiple submitters, no conflicts (2 of 4 stars). 2 submissions from 2 submitters: Uncertain significance (2). Last evaluated 2023-10-06.

Conditions:
Breast-ovarian cancer, familial, susceptibility to, 4. Identifiers: Orphanet 145, MedGen C3280345, MONDO:0013669, OMIM 614291.

Submissions (2):

Baylor Genetics
Classification: Uncertain significance for Breast-ovarian cancer, familial, susceptibility to, 4. Last evaluated: 2023-10-06. Review status: criteria provided, single submitter. Criteria: ACMG Guidelines, 2015. Collection method: clinical testing. Allele origin: unknown.

Labcorp Genetics (formerly Invitae), Labcorp
Classification: Uncertain significance for Breast-ovarian cancer, familial, susceptibility to, 4. Last evaluated: 2021-04-26. Review status: criteria provided, single submitter. Criteria: Invitae Variant Classification Sherloc (09022015). Collection method: clinical testing. Allele origin: germline.
Comment: This sequence change replaces leucine with phenylalanine at codon 147 of the RAD51D protein (p.Leu147Phe). The leucine residue is moderately conserved and there is a small physicochemical difference between leucine and phenylalanine. This variant is not present in population databases (ExAC no frequency). This variant has not been reported in the literature in individuals with RAD51D-related disease. Algorithms developed to predict the effect of missense changes on protein structure and function are either unavailable or do not agree on the potential impact of this missense change (SIFT: "Tolerated"; PolyPhen-2: "Probably Damaging"; Align-GVGD: "Class C0"). In summary, the available evidence is currently insufficient to determine the role of this variant in disease. Therefore, it has been classified as a Variant of Uncertain Significance.